The following is an entry in ClinVar:

NM_000414.4(HSD17B4):c.59-1G>A

Gene: HSD17B4 (hydroxysteroid 17-beta dehydrogenase 4; plus strand). Cytogenetic location: 5q23.1.
Variant type: single nucleotide variant.
Coding change: c.59-1G>A on transcript NM_000414.4 (MANE Select); the canonical splice acceptor site of the intron before coding-DNA position 59, G replaced by A.
Molecular consequence: splice acceptor variant. On other transcripts: intron variant (1).
Genome position (GRCh38, 1-based): chr5:119,456,314, G>A. VCF-style: chr5-119456314-G-A. GRCh37 (hg19) VCF-style: chr5-118792009-G-A.
Other names: c.-358-1G>A (NM_001374502.1); c.-480-1G>A (NM_001374500.1); c.-353-1G>A (NM_001374501.1, NM_001292028.2); c.-79-1G>A (NM_001292027.2); c.59-1G>A (NM_001374498.1, NM_001374497.1); c.58+3681G>A (NM_001199292.2); c.-423-1G>A (NM_001374503.1); c.69-1G>A (NM_001199291.3); and 1 more.
Identifiers: ClinVar variation 2676161 (VCV002676161.4), dbSNP rs2531495892, ClinGen allele CA360859876.

ClinVar aggregate classification (germline): Likely pathogenic. Review status: criteria provided, multiple submitters, no conflicts (2 of 4 stars). 2 submissions from 2 submitters: Likely pathogenic (2). Last evaluated 2023-01-27.

Conditions:
Bifunctional peroxisomal enzyme deficiency (DBIF). Also called: DBP DEFICIENCY; D-bifunctional protein deficiency; PBFE DEFICIENCY. Identifiers: Orphanet 300, MedGen C0342870, MONDO:0009855, OMIM 261515. Disease mechanism: loss of function.
Perrault syndrome. Also called: Gonadal dysgenesis with auditory dysfunction, autosomal recessive inheritance. Identifiers: Orphanet 2855, MedGen C0685838, MONDO:0017312.

Allele frequency attached by ClinVar (database versions not stated): gnomAD exomes below 0.00001.
gnomAD v4.1: 1 of 1,607,810 alleles (0.000062%); no homozygotes.

Submissions (2):

Baylor Genetics
Classification: Likely pathogenic for Bifunctional peroxisomal enzyme deficiency. Last evaluated: 2023-01-27. Review status: criteria provided, single submitter. Criteria: ACMG Guidelines, 2015. Collection method: clinical testing. Allele origin: unknown.

Labcorp Genetics (formerly Invitae), Labcorp
Classification: Likely pathogenic for Perrault syndrome; Bifunctional peroxisomal enzyme deficiency. Last evaluated: 2022-12-26. Review status: criteria provided, single submitter. Criteria: Invitae Variant Classification Sherloc (09022015). Collection method: clinical testing. Allele origin: germline.
Comment: In summary, the currently available evidence indicates that the variant is pathogenic, but additional data are needed to prove that conclusively. Therefore, this variant has been classified as Likely Pathogenic. Algorithms developed to predict the effect of sequence changes on RNA splicing suggest that this variant may disrupt the consensus splice site. This variant has not been reported in the literature in individuals affected with HSD17B4-related conditions. This variant is not present in population databases (gnomAD no frequency). This sequence change affects an acceptor splice site in intron 1 of the HSD17B4 gene. It is expected to disrupt RNA splicing. Variants that disrupt the donor or acceptor splice site typically lead to a loss of protein function (PMID: 16199547), and loss-of-function variants in HSD17B4 are known to be pathogenic (PMID: 11810648, 16385454, 20673864).

Literature cited by the submitters: PubMed 16199547 (cited by Labcorp Genetics (formerly Invitae), Labcorp); PubMed 11810648 (cited by Labcorp Genetics (formerly Invitae), Labcorp); PubMed 16385454 (cited by Labcorp Genetics (formerly Invitae), Labcorp); PubMed 20673864 (cited by Labcorp Genetics (formerly Invitae), Labcorp).